The following is an entry in ClinVar:

ClinVar aggregate classification (germline): Uncertain significance. Review status: criteria provided, single submitter (1 of 4 stars). 2 submissions from 2 submitters: Uncertain significance (1). 1 of the submissions does not count toward it. Last evaluated 2025-11-04.

Conditions:
KIDINS220-related disorder. Also called: KIDINS220-related condition.
Inborn genetic diseases. Identifiers: MedGen C0950123, MeSH D030342.

Submissions (2):

Ambry Genetics
Classification: Uncertain significance for Inborn genetic diseases. Last evaluated: 2025-11-04. Review status: criteria provided, single submitter. Criteria: Ambry Variant Classification Scheme 2023. Collection method: clinical testing. Allele origin: germline.

PreventionGenetics, part of Exact Sciences
Classification: Uncertain significance for KIDINS220-related condition. Last evaluated: 2024-07-11. Review status: no assertion criteria provided. Collection method: clinical testing. Allele origin: germline. Not counted in ClinVar's aggregate classification.
Comment: The KIDINS220 c.3449A>G variant is predicted to result in the amino acid substitution p.Tyr1150Cys. To our knowledge, this variant has not been reported in the literature or in a large population database, indicating this variant is rare. At this time, the clinical significance of this variant is uncertain due to the absence of conclusive functional and genetic evidence.

NM_020738.4(KIDINS220):c.3449A>G (p.Tyr1150Cys)

Gene: KIDINS220 (kinase D interacting substrate 220; minus strand). Cytogenetic location: 2p25.1.
Variant type: single nucleotide variant.
Coding change: c.3449A>G on transcript NM_020738.4 (MANE Select); coding-DNA position 3449, A replaced by G.
Protein change: p.Tyr1150Cys; replaces tyrosine 1150 with cysteine.
Molecular consequence: missense variant. On other transcripts: non-coding transcript variant (1), intron variant (8).
Genome position (GRCh38, 1-based): chr2:8,747,966, T>C on the plus strand (A>G on the coding strand, the complement: KIDINS220 is on the minus strand). VCF-style: chr2-8747966-T-C. GRCh37 (hg19) VCF-style: chr2-8888096-T-C.
Other names: c.3452A>G, p.Tyr1151Cys (NM_001348729.2, NM_001348731.2); c.3449A>G, p.Tyr1150Cys (NM_001348732.2, NM_001348738.2); c.3414+2146A>G (NM_001348741.2, NM_001348742.2, NM_001348743.2 and 1 more transcripts); c.3417+2146A>G (NM_001348739.2, NM_001348740.2, NM_001348734.2); c.3288+2146A>G (NM_001348736.2); short protein forms Y1150C, Y1151C.
Identifiers: ClinVar variation 3355915 (VCV003355915.2).